The following is an entry in ClinVar:

NM_001363711.2(DUOX2):c.1547G>A (p.Arg516His)

Gene: DUOX2 (dual oxidase 2; minus strand). Cytogenetic location: 15q21.1.
Variant type: single nucleotide variant.
Coding change: c.1547G>A on transcript NM_001363711.2 (MANE Select); coding-DNA position 1547, G replaced by A.
Protein change: p.Arg516His; replaces arginine 516 with histidine.
Molecular consequence: missense variant.
Genome position (GRCh38, 1-based): chr15:45,108,074, C>T on the plus strand (G>A on the coding strand, the complement: DUOX2 is on the minus strand). VCF-style: chr15-45108074-C-T. GRCh37 (hg19) VCF-style: chr15-45400272-C-T.
Other names: c.1547G>A (NM_014080.4); c.1547G>A, p.Arg516His (NM_014080.5); short protein forms R516H.
Identifiers: ClinVar variation 1355972 (VCV001355972.9), dbSNP rs143818717, ClinGen allele CA7538582.

ClinVar aggregate classification (germline): Conflicting classifications of pathogenicity. Review status: criteria provided, conflicting classifications (1 of 4 stars). 4 submissions from 4 submitters: Likely pathogenic (2); Uncertain significance (2). Last evaluated 2025-12-23.

Conditions:
Thyroid dyshormonogenesis 6 (TDH6). Also called: Genetic transient congenital hypothyroidism; THYROID HORMONOGENESIS, GENETIC DEFECT IN, 6; HYPOTHYROIDISM, CONGENITAL, DUE TO DYSHORMONOGENESIS, 6. Identifiers: Orphanet 226316, Orphanet 95716, MedGen C1846632, MONDO:0011792, OMIM 607200.

Allele frequency attached by ClinVar (database versions not stated): ExAC 0.00012; 1000 Genomes Project 30x 0.00062; TOPMed 0.00028; gnomAD 0.00029 and 0.00026; ESP Exome Variant Server 0.00031; 1000 Genomes Project 0.00060.

Submissions (4):

Dasa
Classification: Likely pathogenic for Thyroid dyshormonogenesis 6. Last evaluated: 2025-12-23. Review status: criteria provided, single submitter. Criteria: DASA Assertion Criteria. Collection method: clinical testing. Allele origin: germline.
Comment: NM_001363711.2(DUOX2):c.1547G>A (p.Arg516His) is a missense variant that results in the substitution of arginine with histidine. This variant has been recurrently observed in individuals with DUOX2-related disorders (PMID: 28444304; PMID: 34564849). Functional evidence supports an impact on the gene or gene product (PMID: 28444304; PMID: 34564849). Also, this variant is rare in population databases. Computational evidence supports a deleterious effect. Based on the currently available evidence, this variant is classified as likely pathogenic.

Labcorp Genetics (formerly Invitae), Labcorp
Classification: Uncertain significance. Last evaluated: 2025-08-10. Review status: criteria provided, single submitter. Criteria: Invitae Variant Classification Sherloc (09022015). Collection method: clinical testing. Allele origin: germline.
Comment: This sequence change replaces arginine, which is basic and polar, with histidine, which is basic and polar, at codon 516 of the DUOX2 protein (p.Arg516His). This variant is present in population databases (rs143818717, gnomAD 0.08%). This missense change has been observed in individual(s) with congenital hypothyroidism (PMID: 28444304, 34564849). ClinVar contains an entry for this variant (Variation ID: 1355972). Invitae Evidence Modeling of protein sequence and biophysical properties (such as structural, functional, and spatial information, amino acid conservation, physicochemical variation, residue mobility, and thermodynamic stability) indicates that this missense variant is expected to disrupt DUOX2 protein function with a positive predictive value of 80%. Experimental studies have shown that this missense change affects DUOX2 function (PMID: 34564849). This variant disrupts the p.Arg516 amino acid residue in DUOX2. Other variant(s) that disrupt this residue have been determined to be pathogenic (PMID: 36207832, 37390946). This suggests that this residue is clinically significant, and that variants that disrupt this residue are likely to be disease-causing. In summary, the available evidence is currently insufficient to determine the role of this variant in disease. Therefore, it has been classified as a Variant of Uncertain Significance.

Fulgent Genetics
Classification: Likely pathogenic for Thyroid dyshormonogenesis 6. Last evaluated: 2024-04-18. Review status: criteria provided, single submitter. Criteria: ACMG Guidelines, 2015. Collection method: clinical testing. Allele origin: germline.

Women's Health and Genetics/Laboratory Corporation of America, LabCorp
Classification: Uncertain significance. Last evaluated: 2024-01-23. Review status: criteria provided, single submitter. Criteria: LabCorp Variant Classification Summary - May 2015. Collection method: clinical testing. Allele origin: germline.
Comment: Variant summary: DUOX2 c.1547G>A (p.Arg516His) results in a non-conservative amino acid change located in the Dual oxidase, peroxidase domain (IPR034821) of the encoded protein sequence. Five of five in-silico tools predict a damaging effect of the variant on protein function. The variant allele was found at a frequency of 0.00011 in 251466 control chromosomes. c.1547G>A has been reported in the literature in individuals affected with Congenital Hypothyroidism (Sun_2021, deFilippis_2017). These data indicate that the variant may be associated with disease. At least one publication reports experimental evidence evaluating an impact on protein function indicating some decrease in enzymatic activity (Sun_2021). The following publications have been ascertained in the context of this evaluation (PMID: 34564849, 28444304). ClinVar contains an entry for this variant (Variation ID: 1355972). Based on the evidence outlined above, the variant was classified as VUS-possibly pathogenic.

Literature cited by the submitters: PubMed 28444304 (cited by 3 submitters); PubMed 34564849 (cited by 3 submitters); PubMed 36207832 (cited by Labcorp Genetics (formerly Invitae), Labcorp); PubMed 37390946 (cited by Labcorp Genetics (formerly Invitae), Labcorp).